The following is an entry in ClinVar:

ClinVar aggregate classification (germline): Uncertain significance. Review status: reviewed by expert panel (3 of 4 stars). 2 submissions from 2 submitters: Uncertain significance (1). 1 of the submissions does not count toward it. Last evaluated 2025-11-04.

Conditions:
Hereditary von Willebrand disease. Identifiers: Orphanet 903, MedGen C5703318, MONDO:0019565. Inheritance: Autosomal recessive or Autosomal dominant.

gnomAD v4.1: 1 of 1,613,930 alleles (0.000062%); highest among the groups gnomAD compares: East Asian, 0.0022%; no homozygotes.

Submissions (2):

ClinGen von Willebrand Disease Variant Curation Expert Panel, ClinGen
Classification: Uncertain significance for Hereditary von Willebrand disease. Last evaluated: 2025-11-04. Review status: reviewed by expert panel. Criteria: ClinGen VWD 2A B M Rules. Collection method: curation. Allele origin: germline.
Comment: The NM_000552.5:c.4010C>A variant in VWF is a missense variant predicted to cause substitution of proline by glutamine at amino acid 1337. The Popmax filtering allele frequency in gnomAD v4.1 is 0.000000619 (based on 1/44872 alleles in the East Asian population), which is lower than the ClinGen VWD VCEP threshold of <0.0001 for type 2 (PM2_Supporting). Another missense variant, c.4010C>T (p.Pro1337Leu) in the same codon has been classified as likely pathogenic for VWD 2B by the ClinGen VWD VCEP (PM5_Supporting). Only a single case has been submitted to ClinVar but affected status and asserted condition are not reported. Additionally, there are no reports of cases with the variant in the literature or LOVD. In summary, this variant meets the criteria to be classified as a variant of uncertain significance for autosomal dominant hereditary von Willebrand disease based on the ACMG/AMP criteria applied, as specified by the ClinGen VWD VCEP: PM2_Supporting, PM5_Supporting (ClinGen von Willebrand Disease Expert Panel Specifications to the ACMG/AMP Variant Interpretation Guidelines for VWF Version 1.0.0)

Quest Diagnostics Nichols Institute San Juan Capistrano
Classification: Uncertain significance. Last evaluated: 2025-05-07. Review status: criteria provided, single submitter. Criteria: Quest Diagnostics criteria. Collection method: clinical testing. Allele origin: unknown. Not counted in ClinVar's aggregate classification.
Comment: The VWF c.4010C>A (p.Pro1337Gln) variant has not been reported in individuals with VWF-related conditions in the published literature. The frequency of this variant in the general population (Genome Aggregation Database) is uninformative in the assessment of its pathogenicity. Analysis of this variant using bioinformatics tools for the prediction of the effect of amino acid changes on protein structure and function yielded predictions that this variant is damaging. Based on the available information, we are unable to determine the clinical significance of this variant.

NM_000552.5(VWF):c.4010C>A (p.Pro1337Gln)

Gene: VWF (von Willebrand factor; minus strand). Cytogenetic location: 12p13.31.
Variant type: single nucleotide variant.
Coding change: c.4010C>A on transcript NM_000552.5 (MANE Select); coding-DNA position 4010, C replaced by A.
Protein change: p.Pro1337Gln; replaces proline 1337 with glutamine.
Molecular consequence: missense variant.
Genome position (GRCh38, 1-based): chr12:6,019,408, G>T on the plus strand (C>A on the coding strand, the complement: VWF is on the minus strand). VCF-style: chr12-6019408-G-T. GRCh37 (hg19) VCF-style: chr12-6128574-G-T.
Other names: NM_000552.5(VWF):c.4010C>A; p.Pro1337Gln; short protein forms P1337Q.
Identifiers: ClinVar variation 2682110 (VCV002682110.3), dbSNP rs61749400, ClinGen allele CA383505783.